The following is an entry in ClinVar:

NC_000007.14:g.156769119C>T

Genes: LMBR1 (limb development membrane protein 1; minus strand), SHH (sonic hedgehog signaling molecule; minus strand). Cytogenetic location: 7q36.3.
Variant type: single nucleotide variant.
Molecular consequence: intron variant (on NM_022458.4).
Genome position: GRCh38 VCF-style: chr7-156769119-C-T. GRCh37 (hg19) VCF-style: chr7-156561813-C-T.
Other names: c.361-5324G>A (NM_001363412.2); c.145-5324G>A (NM_001350954.2); c.424-5324G>A (NM_001363410.2, NM_022458.4, NM_001363409.2 and 1 more transcripts); c.-33-5324G>A (NM_001350958.2, NM_001350956.2, NM_001350955.2 and 1 more transcripts); c.55-5324G>A (NM_001350957.2, NM_001363411.2).
Identifiers: ClinVar variation 2877959 (VCV002877959.3), dbSNP rs911483950, ClinGen allele CA169820936.

ClinVar aggregate classification (germline): Uncertain significance (1 of 4 stars; one submission).

Conditions:
Holoprosencephaly 3 (HPE3). Identifiers: Orphanet 2162, MedGen C1840529, MONDO:0007733, OMIM 142945.

Allele frequency attached by ClinVar (database versions not stated): gnomAD 0.00001; TOPMed 0.00002.
gnomAD v4.1: 1 of 152,140 alleles (0.00066%); highest among the groups gnomAD compares: East Asian, 0.019%; no homozygotes.

Submission:

Labcorp Genetics (formerly Invitae), Labcorp
Classification: Uncertain significance for Holoprosencephaly 3. Last evaluated: 2023-01-31. Review status: criteria provided, single submitter. Criteria: Invitae Variant Classification Sherloc (09022015). Collection method: clinical testing. Allele origin: germline.
Comment: This variant occurs in a non-coding region of the SHH gene. It does not change the encoded amino acid sequence of the SHH protein. This variant is not present in population databases (gnomAD no frequency). This variant has not been reported in the literature in individuals affected with SHH-related conditions. Experimental studies and prediction algorithms are not available or were not evaluated, and the effect of this variant on mRNA splicing is currently unknown. In summary, the available evidence is currently insufficient to determine the role of this variant in disease. Therefore, it has been classified as a Variant of Uncertain Significance.